The following is an entry in ClinVar:

NM_001903.5(CTNNA1):c.469-16C>T

Gene: CTNNA1 (catenin alpha 1; plus strand). Cytogenetic location: 5q31.2.
Variant type: single nucleotide variant.
Coding change: c.469-16C>T on transcript NM_001903.5 (MANE Select); 16 bases into the intron before coding-DNA position 469, C replaced by T.
Molecular consequence: intron variant.
Genome position (GRCh38, 1-based): chr5:138,812,167, C>T. VCF-style: chr5-138812167-C-T. GRCh37 (hg19) VCF-style: chr5-138147856-C-T.
Other names: c.469-16C>T (NM_001323982.2, NM_001323984.2, NM_001290307.3 and 3 more transcripts); c.100-16C>T (NM_001290310.3); c.160-16C>T (NM_001290309.3).
Identifiers: ClinVar variation 2996256 (VCV002996256.4), dbSNP rs370088383, ClinGen allele CA563294224.

ClinVar aggregate classification (germline): Likely benign. Review status: criteria provided, multiple submitters, no conflicts (2 of 4 stars). 2 submissions from 2 submitters: Likely benign (2). Last evaluated 2024-10-09.

Conditions:
Hereditary diffuse gastric adenocarcinoma (HDGC). Also called: DIFFUSE GASTRIC AND LOBULAR BREAST CANCER SYNDROME. Identifiers: Orphanet 26106, MedGen C1708349, MONDO:0007648, OMIM 137215.

gnomAD v4.1: 2 of 1,607,132 alleles (0.00012%); highest among the groups gnomAD compares: Non-Finnish European, 0.00017%; no homozygotes.

Submissions (2):

Myriad Genetics, Inc.
Classification: Likely benign for Hereditary diffuse gastric adenocarcinoma. Last evaluated: 2024-10-09. Review status: criteria provided, single submitter. Criteria: Myriad Autosomal Dominant, Autosomal Recessive and X-Linked Classification Criteria (2023). Collection method: clinical testing. Allele origin: unknown.
Comment: This variant is considered likely benign. This variant is intronic and is not expected to impact mRNA splicing.

Labcorp Genetics (formerly Invitae), Labcorp
Classification: Likely benign. Last evaluated: 2024-05-14. Review status: criteria provided, single submitter. Criteria: Invitae Variant Classification Sherloc (09022015). Collection method: clinical testing. Allele origin: germline.